The following is an entry in ClinVar:

NM_000069.3(CACNA1S):c.1870A>G (p.Ile624Val)

Gene: CACNA1S (calcium voltage-gated channel subunit alpha1 S; minus strand). Cytogenetic location: 1q32.1.
Variant type: single nucleotide variant.
Coding change: c.1870A>G on transcript NM_000069.3 (MANE Select); coding-DNA position 1870, A replaced by G.
Protein change: p.Ile624Val; replaces isoleucine 624 with valine.
Molecular consequence: missense variant.
Genome position (GRCh38, 1-based): chr1:201,075,573, T>C on the plus strand (A>G on the coding strand, the complement: CACNA1S is on the minus strand). VCF-style: chr1-201075573-T-C. GRCh37 (hg19) VCF-style: chr1-201044701-T-C.
Other names: short protein forms I624V.
Identifiers: ClinVar variation 4756255 (VCV004756255.1).

ClinVar aggregate classification (germline): Uncertain significance (1 of 4 stars; one submission).

Conditions:
Malignant hyperthermia, susceptibility to, 5 (MHS5). Also called: CACNA1S-Related Malignant Hyperthermia Susceptibility. Identifiers: Orphanet 423, MedGen C1866077, MONDO:0011163, OMIM 601887.

Submission:

Color Diagnostics, LLC DBA Color Health
Classification: Uncertain significance for Malignant hyperthermia, susceptibility to, 5. Last evaluated: 2025-09-01. Review status: criteria provided, single submitter. Criteria: ACMG Guidelines, 2015. Collection method: clinical testing. Allele origin: germline.
Comment: This missense variant replaces isoleucine with valine at codon 624 of the CACNA1S protein. Computational prediction is inconclusive regarding the impact of this variant on protein structure and function. To our knowledge, functional studies have not been reported for this variant. This variant has not been reported in individuals affected with CACNA1S-related disorders in the literature. This variant has not been identified in the general population by the Genome Aggregation Database (gnomAD). The available evidence is insufficient to determine the role of this variant in disease conclusively. Therefore, this variant is classified as a Variant of Uncertain Significance.